The following is an entry in ClinVar:

Conditions:
Long QT syndrome 5 (LQT5). Identifiers: Orphanet 101016, Orphanet 768, MedGen C1867904, MONDO:0013372, OMIM 613695.

Submission:

Roden Lab, Vanderbilt University Medical Center
No classification provided (evidence only). Condition: Long QT syndrome 5. Review status: no classification provided. Collection method: in vitro. Allele origin: not applicable. Functional consequence: Effect on ion channel function.
ClinVar note: "not provided" was previously submitted as the classification for the variant. However, the classification appeared to be based only on an observation of functional data so it was converted to no classification on 2025-07-30.

NM_000219.6(KCNE1):c.220T>A (p.Ser74Thr)

Gene: KCNE1 (potassium voltage-gated channel subfamily E regulatory subunit 1; minus strand). Cytogenetic location: 21q22.12.
Variant type: single nucleotide variant.
Coding change: c.220T>A on transcript NM_000219.6 (MANE Select); coding-DNA position 220, T replaced by A.
Protein change: p.Ser74Thr; replaces serine 74 with threonine.
Molecular consequence: missense variant.
Genome position (GRCh38, 1-based): chr21:34,449,415, A>T on the plus strand (T>A on the coding strand, the complement: KCNE1 is on the minus strand). VCF-style: chr21-34449415-A-T. GRCh37 (hg19) VCF-style: chr21-35821713-A-T.
Other names: c.220T>A, p.Ser74Thr (NM_001127668.4, NM_001127669.4, NM_001127670.4 and 4 more transcripts); short protein forms S74T.
Identifiers: ClinVar variation 3374361 (VCV003374361.2).